The following is an entry in ClinVar:

ClinVar aggregate classification (germline): Uncertain significance. Review status: criteria provided, multiple submitters, no conflicts (2 of 4 stars). 3 submissions from 3 submitters: Uncertain significance (3). Last evaluated 2025-08-27.

Conditions:
Charcot-Marie-Tooth Neuropathy X. Identifiers: MedGen CN118851.
Combined oxidative phosphorylation deficiency. Identifiers: MedGen C4540031, MONDO:0000732.
Inborn genetic diseases. Identifiers: MedGen C0950123, MeSH D030342.

Allele frequency attached by ClinVar (database versions not stated): gnomAD 0.00001; gnomAD exomes 0.00001.
gnomAD v4.1: 14 of 1,210,143 alleles (0.0012%); highest among the groups gnomAD compares: Non-Finnish European, 0.0015%; no homozygotes.

Submissions (3):

Ambry Genetics
Classification: Uncertain significance for Inborn genetic diseases. Last evaluated: 2025-08-27. Review status: criteria provided, single submitter. Criteria: Ambry Variant Classification Scheme 2023. Collection method: clinical testing. Allele origin: germline.

Labcorp Genetics (formerly Invitae), Labcorp
Classification: Uncertain significance for Charcot-Marie-Tooth Neuropathy X; Combined oxidative phosphorylation deficiency. Last evaluated: 2025-08-13. Review status: criteria provided, single submitter. Criteria: Invitae Variant Classification Sherloc (09022015). Collection method: clinical testing. Allele origin: germline.
Comment: This sequence change replaces serine, which is neutral and polar, with cysteine, which is neutral and slightly polar, at codon 501 of the AIFM1 protein (p.Ser501Cys). This variant is not present in population databases (gnomAD no frequency). This variant has not been reported in the literature in individuals affected with AIFM1-related conditions. ClinVar contains an entry for this variant (Variation ID: 411664). Invitae Evidence Modeling of protein sequence and biophysical properties (such as structural, functional, and spatial information, amino acid conservation, physicochemical variation, residue mobility, and thermodynamic stability) indicates that this missense variant is not expected to disrupt AIFM1 protein function with a negative predictive value of 80%. In summary, the available evidence is currently insufficient to determine the role of this variant in disease. Therefore, it has been classified as a Variant of Uncertain Significance.

GeneDx
Classification: Uncertain significance. Last evaluated: 2020-04-24. Review status: criteria provided, single submitter. Criteria: GeneDx Variant Classification Process June 2021. Collection method: clinical testing. Allele origin: germline. Affected: yes.
Comment: Not observed in large population cohorts (Lek et al., 2016); In silico analysis supports that this missense variant has a deleterious effect on protein structure/function; Has not been previously published as pathogenic or benign to our knowledge

NM_004208.4(AIFM1):c.1501A>T (p.Ser501Cys)

Genes: AIFM1 (apoptosis inducing factor mitochondria associated 1; minus strand), RAB33A (RAB33A, member RAS oncogene family; plus strand). Cytogenetic location: Xq26.1.
Variant type: single nucleotide variant.
Coding change: c.1501A>T on transcript NM_004208.4 (MANE Select); coding-DNA position 1501, A replaced by T.
Protein change: p.Ser501Cys; replaces serine 501 with cysteine.
Molecular consequence: missense variant. On other transcripts: 3 prime UTR variant (1), non-coding transcript variant (1).
Genome position (GRCh38, 1-based): chrX:130,131,747, T>A on the plus strand (A>T on the coding strand, the complement: AIFM1 is on the minus strand). VCF-style: chrX-130131747-T-A. GRCh37 (hg19) VCF-style: chrX-129265722-T-A.
Other names: c.484A>T, p.Ser162Cys (NM_001130846.4); c.*729A>T (NM_001130847.4); c.1489A>T, p.Ser497Cys (NM_145812.3); short protein forms S501C, S497C, S162C.
Identifiers: ClinVar variation 411664 (VCV000411664.14), dbSNP rs769816388, ClinGen allele CA16616630.